The following is an entry in ClinVar:

NM_025099.6(CTC1):c.8C>G (p.Ala3Gly)

Genes: PFAS (phosphoribosylformylglycinamidine synthase; plus strand), CTC1 (CST telomere replication complex component 1; minus strand). Cytogenetic location: 17p13.1.
Variant type: single nucleotide variant.
Coding change: c.8C>G on transcript NM_025099.6 (MANE Select); coding-DNA position 8, C replaced by G.
Protein change: p.Ala3Gly; replaces alanine 3 with glycine.
Molecular consequence: missense variant. On other transcripts: non-coding transcript variant (1).
Genome position (GRCh38, 1-based): chr17:8,248,029, G>C on the plus strand (C>G on the coding strand, the complement: CTC1 is on the minus strand). VCF-style: chr17-8248029-G-C. GRCh37 (hg19) VCF-style: chr17-8151347-G-C.
Other names: short protein forms A3G.
Identifiers: ClinVar variation 661168 (VCV000661168.6), dbSNP rs923853643, ClinGen allele CA397999646.
Genomic context (GRCh38, chr17:8,248,029, plus strand): 5'-AAAAAAGGAACAAGAGACGTAATAGCAGCACTCACGGAGGAAGGGACCTGGGCCCGGCCA[G>C]CCGCCATGATGCGCCGGAGCTCCGCCCCCGGGAGGGGCAGGTGCTCGCTTGGGGGTGGGG-3'
Protein context (NP_079375.3, residues 1-13): MA[Ala3Gly]GRAQVPSSEQ

ClinVar aggregate classification (germline): Uncertain significance (1 of 4 stars; one submission).

Conditions:
Dyskeratosis congenita. Identifiers: Orphanet 1775, MedGen C0265965, MONDO:0015780.

Allele frequency attached by ClinVar (database versions not stated): gnomAD 0.00002.

Submission:

Labcorp Genetics (formerly Invitae), Labcorp
Classification: Uncertain significance for Dyskeratosis congenita. Last evaluated: 2018-12-25. Review status: criteria provided, single submitter. Criteria: Invitae Variant Classification Sherloc (09022015). Collection method: clinical testing. Allele origin: germline.
Comment: This variant is not present in population databases (ExAC no frequency). In summary, the available evidence is currently insufficient to determine the role of this variant in disease. Therefore, it has been classified as a Variant of Uncertain Significance. Algorithms developed to predict the effect of missense changes on protein structure and function output the following: SIFT: "Tolerated"; PolyPhen-2: "Benign"; Align-GVGD: "Class C0". The glycine amino acid residue is found in multiple mammalian species, suggesting that this missense change does not adversely affect protein function. These predictions have not been confirmed by published functional studies and their clinical significance is uncertain. This variant has not been reported in the literature in individuals with CTC1-related conditions. This sequence change replaces alanine with glycine at codon 3 of the CTC1 protein (p.Ala3Gly). The alanine residue is weakly conserved and there is a small physicochemical difference between alanine and glycine.